The following is an entry in ClinVar:

NM_006946.4(SPTBN2):c.3899C>T (p.Thr1300Ile)

Gene: SPTBN2 (spectrin beta, non-erythrocytic 2; minus strand). Cytogenetic location: 11q13.2.
Variant type: single nucleotide variant.
Coding change: c.3899C>T on transcript NM_006946.4 (MANE Select); coding-DNA position 3899, C replaced by T.
Protein change: p.Thr1300Ile; replaces threonine 1300 with isoleucine.
Molecular consequence: missense variant.
Genome position (GRCh38, 1-based): chr11:66,698,754, G>A on the plus strand (C>T on the coding strand, the complement: SPTBN2 is on the minus strand). VCF-style: chr11-66698754-G-A. GRCh37 (hg19) VCF-style: chr11-66466225-G-A.
Other names: c.3920C>T, p.Thr1307Ile (NM_001411025.1); c.3899C>T, p.Thr1300Ile (NM_001437541.1); short protein forms T1300I, T1307I.
Identifiers: ClinVar variation 4847321 (VCV004847321.1).

ClinVar aggregate classification (germline): Uncertain significance (1 of 4 stars; one submission).

Submission:

Women's Health and Genetics/Laboratory Corporation of America, LabCorp
Classification: Uncertain significance. Last evaluated: 2026-03-11. Review status: criteria provided, single submitter. Criteria: LabCorp Variant Classification Summary - May 2015. Collection method: clinical testing. Allele origin: germline.
Comment: Variant summary: SPTBN2 c.3899C>T (p.Thr1300Ile) results in a non-conservative amino acid change in the encoded protein sequence. Algorithms developed to predict the effect of missense changes on protein structure and function are either unavailable or do not agree on the potential impact of this missense change. The variant was absent in 251356 control chromosomes. The available data on variant occurrences in the general population are insufficient to allow any conclusion about variant significance. To our knowledge, no occurrence of c.3899C>T in individuals affected with SPTBN2-related conditions and no experimental evidence demonstrating its impact on protein function have been reported. No submitters have cited clinical-significance assessments for this variant to ClinVar. Based on the evidence outlined above, the variant was classified as uncertain significance.